The following is an entry in ClinVar:

ClinVar aggregate classification (germline): Uncertain significance (1 of 4 stars; one submission).

Submission:

GeneDx
Classification: Uncertain significance. Last evaluated: 2022-07-07. Review status: criteria provided, single submitter. Criteria: GeneDx Variant Classification Process June 2021. Collection method: clinical testing. Allele origin: germline. Affected: yes.
Comment: Not observed at significant frequency in large population cohorts (gnomAD); In silico analysis supports that this missense variant has a deleterious effect on protein structure/function; Has not been previously published as pathogenic or benign to our knowledge

NM_001374828.1(ARID1B):c.4606G>C (p.Gly1536Arg)

Gene: ARID1B (AT-rich interaction domain 1B; plus strand). Cytogenetic location: 6q25.3.
Variant type: single nucleotide variant.
Coding change: c.4606G>C on transcript NM_001374828.1 (MANE Select); coding-DNA position 4606, G replaced by C.
Protein change: p.Gly1536Arg; replaces glycine 1536 with arginine.
Molecular consequence: missense variant.
Genome position (GRCh38, 1-based): chr6:157,200,831, G>C. VCF-style: chr6-157200831-G-C. GRCh37 (hg19) VCF-style: chr6-157521965-G-C.
Other names: c.4357G>C, p.Gly1453Arg (NM_001346813.1); c.2107G>C, p.Gly703Arg (NM_001363725.2); c.4486G>C, p.Gly1496Arg (NM_001371656.1, NM_001374820.1); c.4447G>C, p.Gly1483Arg (NM_017519.3); c.4237G>C, p.Gly1413Arg (NM_020732.3); c.4024G>C, p.Gly1342Arg (NM_175863.2); short protein forms G703R, G1342R, G1413R, G1496R, G1453R, G1483R, G1536R.
Identifiers: ClinVar variation 1810675 (VCV001810675.1), dbSNP rs2538672568, ClinGen allele CA366241037.